The following is an entry in ClinVar:

ClinVar aggregate classification (germline): Uncertain significance. Review status: criteria provided, multiple submitters, no conflicts (2 of 4 stars). 4 submissions from 4 submitters: Uncertain significance (4). Last evaluated 2024-08-11.

Conditions:
Cardiovascular phenotype. Identifiers: MedGen CN230736.
Long QT syndrome (LQTS). Identifiers: MedGen C0023976, MeSH D008133, MONDO:0002442. Disease mechanism: loss of function. Inheritance: Various modes of inheritance.
ANK2-associated Complex Neurodevelopmental Disorder.

Allele frequency attached by ClinVar (database versions not stated): gnomAD 0.00002; TOPMed 0.00002; 1000 Genomes Project 0.00020; 1000 Genomes Project 30x 0.00031.
gnomAD v4.1: 4 of 1,614,014 alleles (0.00025%); highest among the groups gnomAD compares: Admixed American, 0.0033%; no homozygotes.

Submissions (4):

Ambry Genetics
Classification: Uncertain significance for Cardiovascular phenotype. Last evaluated: 2024-08-11. Review status: criteria provided, single submitter. Criteria: Ambry Variant Classification Scheme 2023. Collection method: clinical testing. Allele origin: germline.
Comment: The p.D2299H variant (also known as c.6895G>C), located in coding exon 38 of the ANK2 gene, results from a G to C substitution at nucleotide position 6895. The aspartic acid at codon 2299 is replaced by histidine, an amino acid with similar properties. This amino acid position is conserved. In addition, this alteration is predicted to be tolerated by in silico analysis. Based on the available evidence, the clinical significance of this variant remains unclear.

Clinical Genetics Laboratory, Skane University Hospital Lund
Classification: Uncertain significance. Last evaluated: 2023-01-18. Review status: criteria provided, single submitter. Criteria: ACMG Guidelines, 2015. Collection method: clinical testing. Allele origin: germline. Affected: yes.

Labcorp Genetics (formerly Invitae), Labcorp
Classification: Uncertain significance for Long QT syndrome. Last evaluated: 2021-10-20. Review status: criteria provided, single submitter. Criteria: Invitae Variant Classification Sherloc (09022015). Collection method: clinical testing. Allele origin: germline.
Comment: This variant is not present in population databases (ExAC no frequency). In summary, the available evidence is currently insufficient to determine the role of this variant in disease. Therefore, it has been classified as a Variant of Uncertain Significance. Algorithms developed to predict the effect of missense changes on protein structure and function (SIFT, PolyPhen-2, Align-GVGD) all suggest that this variant is likely to be tolerated. This variant has not been reported in the literature in individuals affected with ANK2-related conditions. This sequence change replaces aspartic acid with histidine at codon 2299 of the ANK2 protein (p.Asp2299His). The aspartic acid residue is weakly conserved and there is a moderate physicochemical difference between aspartic acid and histidine.

New York Genome Center
Classification: Uncertain significance for ANK2-associated Complex Neurodevelopmental Disorder. Last evaluated: 2021-09-02. Review status: criteria provided, single submitter. Criteria: NYGC Assertion Criteria 2020. Collection method: clinical testing. Allele origin: inherited. Observed: 1 heterozygote. Study: CSER-NYCKidSeq.

NM_001148.6(ANK2):c.6895G>C (p.Asp2299His)

Genes: ANK2 (ankyrin 2; plus strand), LOC126807137 (CDK7 strongly-dependent group 2 enhancer GRCh37_chr4:114276560-114277759; plus strand). Cytogenetic location: 4q26.
Variant type: single nucleotide variant.
Coding change: c.6895G>C on transcript NM_001148.6 (MANE Select); coding-DNA position 6895, G replaced by C.
Protein change: p.Asp2299His; replaces aspartic acid 2299 with histidine.
Molecular consequence: missense variant. On other transcripts: intron variant (68).
Genome position (GRCh38, 1-based): chr4:113,355,513, G>C. VCF-style: chr4-113355513-G-C. GRCh37 (hg19) VCF-style: chr4-114276669-G-C.
Other names: c.6661G>C, p.Asp2221His (NM_001386142.1); c.3295G>C, p.Asp1099His (NM_001386166.1); c.7036G>C, p.Asp2346His (NM_001386174.1); c.7012G>C, p.Asp2338His (NM_001386175.1); c.4411+5264G>C (NM_001386186.2, NM_001386148.2); c.4213+5264G>C (NM_001354269.3); c.4291+5264G>C (NM_001386187.2); c.4252+5264G>C (NM_001386147.1); and 36 more; short protein forms D1099H, D2221H, D2299H, D2338H, D2346H.
Identifiers: ClinVar variation 1488559 (VCV001488559.9), dbSNP rs537233629, ClinGen allele CA103814700.